The following is an entry in ClinVar:

NM_005228.5(EGFR):c.91T>G (p.Cys31Gly)

Gene: EGFR (epidermal growth factor receptor; plus strand). Cytogenetic location: 7p11.2.
Variant type: single nucleotide variant.
Coding change: c.91T>G on transcript NM_005228.5 (MANE Select); coding-DNA position 91, T replaced by G.
Protein change: p.Cys31Gly; replaces cysteine 31 with glycine.
Molecular consequence: missense variant. On other transcripts: 5 prime UTR variant (1), intron variant (1).
Genome position (GRCh38, 1-based): chr7:55,142,288, T>G. VCF-style: chr7-55142288-T-G. GRCh37 (hg19) VCF-style: chr7-55209981-T-G.
Other names: c.91T>G, p.Cys31Gly (NM_001346897.2, NM_001346898.2, NM_001346899.2 and 3 more transcripts); c.-69T>G (NM_001346900.2); c.89-13542T>G (NM_001346941.2); short protein forms C31G.
Identifiers: ClinVar variation 3655011 (VCV003655011.2).

ClinVar aggregate classification (germline): Uncertain significance (1 of 4 stars; one submission).

Conditions:
EGFR-related lung cancer (EGFR). Identifiers: MedGen CN130014.

Submission:

Labcorp Genetics (formerly Invitae), Labcorp
Classification: Uncertain significance for EGFR-related lung cancer. Last evaluated: 2024-05-29. Review status: criteria provided, single submitter. Criteria: Invitae Variant Classification Sherloc (09022015). Collection method: clinical testing. Allele origin: germline.
Comment: This sequence change replaces cysteine, which is neutral and slightly polar, with glycine, which is neutral and non-polar, at codon 31 of the EGFR protein (p.Cys31Gly). This variant is not present in population databases (gnomAD no frequency). This variant has not been reported in the literature in individuals affected with EGFR-related conditions. An algorithm developed to predict the effect of missense changes on protein structure and function (PolyPhen-2) suggests that this variant is likely to be disruptive. In summary, the available evidence is currently insufficient to determine the role of this variant in disease. Therefore, it has been classified as a Variant of Uncertain Significance.